The following is an entry in ClinVar:

ClinVar aggregate classification (germline): Conflicting classifications of pathogenicity. Review status: criteria provided, conflicting classifications (1 of 4 stars). 6 submissions from 6 submitters: Uncertain significance (1); Likely benign (5). Last evaluated 2026-01-20.

Conditions:
SLC22A5-related disorder. Also called: SLC22A5-related condition.
Inborn genetic diseases. Identifiers: MedGen C0950123, MeSH D030342.
Renal carnitine transport defect (CDSP). Also called: Primary carnitine deficiency; Carnitine Deficiency, Systemic; CARNITINE DEFICIENCY, SYSTEMIC, DUE TO DEFECT IN RENAL REABSORPTION OF CARNITINE; CARNITINE TRANSPORTER, PLASMA-MEMBRANE, DEFICIENCY OF; CARNITINE UPTAKE DEFECT; Systemic primary carnitine deficiency disease. Identifiers: Orphanet 158, MedGen C0342788, MONDO:0008919, OMIM 212140.

Allele frequency attached by ClinVar (database versions not stated): gnomAD 0.00002 and 0.00003; gnomAD exomes 0.00005 and 0.00008; TOPMed 0.00006; ExAC 0.00008; ESP Exome Variant Server 0.00008.
gnomAD v4.1: 79 of 1,614,082 alleles (0.0049%); highest among the groups gnomAD compares: Non-Finnish European, 0.0056%; no homozygotes.

Submissions (6):

Labcorp Genetics (formerly Invitae), Labcorp
Classification: Likely benign for Renal carnitine transport defect. Last evaluated: 2026-01-20. Review status: criteria provided, single submitter. Criteria: Invitae Variant Classification Sherloc (09022015). Collection method: clinical testing. Allele origin: germline.

Ambry Genetics
Classification: Likely benign for Inborn genetic diseases. Last evaluated: 2025-08-10. Review status: criteria provided, single submitter. Criteria: Ambry Variant Classification Scheme 2023. Collection method: clinical testing. Allele origin: germline.

PreventionGenetics, part of Exact Sciences
Classification: Likely benign for SLC22A5-related condition. Last evaluated: 2024-11-23. Review status: criteria provided, single submitter. Criteria: ACMG Guidelines, 2015. Collection method: clinical testing. Allele origin: germline.
Comment: This variant is classified as likely benign based on ACMG/AMP sequence variant interpretation guidelines (Richards et al. 2015 PMID: 25741868, with internal and published modifications).

Blueprint Genetics
Classification: Likely benign. Last evaluated: 2024-09-12. Review status: criteria provided, single submitter. Criteria: ACMG Guidelines, 2015. Collection method: clinical testing. Allele origin: germline.

Genome-Nilou Lab
Classification: Likely benign for Renal carnitine transport defect. Last evaluated: 2021-07-15. Review status: criteria provided, single submitter. Criteria: ACMG Guidelines, 2015. Collection method: clinical testing. Allele origin: germline. Affected: no.

Illumina Laboratory Services, Illumina
Classification: Uncertain significance for Renal carnitine transport defect. Last evaluated: 2018-01-12. Review status: criteria provided, single submitter. Criteria: ICSL Variant Classification Criteria 13 December 2019. Collection method: clinical testing. Allele origin: germline.

NM_003060.4(SLC22A5):c.522C>T (p.Phe174=)

Gene: SLC22A5 (solute carrier family 22 member 5; plus strand). Cytogenetic location: 5q31.1.
Variant type: single nucleotide variant.
Coding change: c.522C>T on transcript NM_003060.4 (MANE Select); coding-DNA position 522, C replaced by T.
Protein change: p.Phe174=; no amino-acid change (phenylalanine 174 retained).
Molecular consequence: synonymous variant.
Genome position (GRCh38, 1-based): chr5:132,384,171, C>T. VCF-style: chr5-132384171-C-T. GRCh37 (hg19) VCF-style: chr5-131719863-C-T.
Other names: c.594C>T, p.Phe198= (NM_001308122.2).
Identifiers: ClinVar variation 350812 (VCV000350812.21), dbSNP rs145350949, ClinGen allele CA3403916.
Genomic context (GRCh38, chr5:132,384,171, plus strand): 5'-CCAGCTGGTTATCTGTCACTCTCCTTTTCTTCCCAGGTTTGGCCGGAAGAATGTGCTGTT[C>T]GTGACCATGGGCATGCAGACAGGCTTCAGCTTCCTGCAGATCTTCTCGAAGAATTTTGAG-3'
Protein context (NP_003051.1, residues 164-184): SDRFGRKNVL[Phe174=]VTMGMQTGFS